The following is an entry in ClinVar:

NM_003489.4(NRIP1):c.2820T>C (p.Leu940=)

Gene: NRIP1 (nuclear receptor interacting protein 1; minus strand). Cytogenetic location: 21q11.2.
Variant type: single nucleotide variant.
Coding change: c.2820T>C on transcript NM_003489.4 (MANE Select); coding-DNA position 2820, T replaced by C.
Protein change: p.Leu940=; no amino-acid change (leucine 940 retained).
Molecular consequence: synonymous variant.
Genome position (GRCh38, 1-based): chr21:14,965,373, A>G on the plus strand (T>C on the coding strand, the complement: NRIP1 is on the minus strand). VCF-style: chr21-14965373-A-G. GRCh37 (hg19) VCF-style: chr21-16337694-A-G.
Other names: c.2820T>C, p.Leu940= (NM_001439275.1, NM_001439276.1, NM_001439277.1 and 10 more transcripts).
Identifiers: ClinVar variation 4988858 (VCV004988858.1).
Genomic context (GRCh38, chr21:14,965,373, plus strand): 5'-ACTGTCAGCCACAGAGTTACTTCTGTGCGGGGACAAATCTCGCACACAGTTTTCTGAGAG[A>G]AGCAGCTGTTTCAGAACATTAAAGCTTTTGCTCTCTCTGGCCCAACTCCTGTGTTCACTT-3'
Protein context (NP_003480.2, residues 930-950): SKSFNVLKQL[Leu940=]LSENCVRDLS

ClinVar aggregate classification (germline): Likely benign (1 of 4 stars; one submission).

Conditions:
NRIP1-related disorder. Also called: NRIP1-related condition.

gnomAD v4.1: 8 of 1,614,038 alleles (0.0005%); highest among the groups gnomAD compares: South Asian, 0.0066%; no homozygotes.

Submission:

PreventionGenetics, part of Exact Sciences
Classification: Likely benign for NRIP1-related condition. Last evaluated: 2026-07-31. Review status: criteria provided, single submitter. Criteria: ACMG Guidelines, 2015. Collection method: clinical testing. Allele origin: germline.
Comment: This variant is classified as likely benign based on ACMG/AMP sequence variant interpretation guidelines (Richards et al. 2015 PMID: 25741868, with internal and published modifications).